The following is an entry in ClinVar:

ClinVar aggregate classification (germline): Pathogenic/Likely pathogenic. Review status: criteria provided, multiple submitters, no conflicts (2 of 4 stars). 9 submissions from 9 submitters: Pathogenic (5); Likely pathogenic (3). 1 of the submissions does not count toward it. Last evaluated 2025-01-14.

Conditions:
AQP2-related disorder. Also called: AQP2-related condition.
AQP2-related nephrogenic diabetes insipidus.
Nephrogenic diabetes insipidus. Identifiers: Orphanet 223, MedGen C0162283, MONDO:0016383, HP:0009806.
Diabetes insipidus, nephrogenic, autosomal (NDI2). Also called: Diabetes insipidus, nephrogenic, 2, autosomal; Nephrogenic Diabetes Insipidus, Type II. Identifiers: Orphanet 223, MedGen C1563706, MONDO:0007451, OMIM 125800.

Allele frequency attached by ClinVar (database versions not stated): gnomAD 0.00004 and 0.00005; gnomAD exomes 0.00005; ExAC 0.00002; TOPMed 0.00003.
gnomAD v4.1: 58 of 1,614,090 alleles (0.0036%); highest among the groups gnomAD compares: African/African-American, 0.0053%; no homozygotes.

Submissions (9):

Rady Children's Institute for Genomic Medicine, Rady Children's Hospital San Diego
Classification: Likely pathogenic for AQP2-related nephrogenic diabetes insipidus. Last evaluated: 2025-01-14. Review status: criteria provided, single submitter. Criteria: ACMG Guidelines, 2015. Collection method: clinical testing. Allele origin: germline. Affected: yes.
Comment: The c.559C>T (p.Arg187Cys) variant affects a highly conserved amino acid and is predicted by multiple in silico tools to have a deleterious effect on protein function. This variant has been previously reported as a compound heterozygous as well as a homozygous change in individuals with nephrogenic diabetes insipidus (PMID: 7524315, 8140421, 20403973). Different amino acid changes at the same residue (p.Arg187His) have been previously reported in individuals with autosomal recessive nephrogenic diabetes insipidus (PMID: 16361827). Functional studies indicate this variant leads to mislocalization, resulting in an inactive protein product (PMID: 20403973, 9593782). The c.559C>T (p.Arg187Cys) variant is present in the latest version of the gnomAD population database at an allele frequency of 0.004% (58/1614090) and thus is presumed to be rare. Based on the available evidence, c.559C>T (p.Arg187Cys) is classified as Likely Pathogenic.

Natera, Inc.
Classification: Likely pathogenic for Nephrogenic diabetes insipidus. Last evaluated: 2024-08-30. Review status: criteria provided, single submitter. Criteria: Natera Variant Classification Schema (03/2026). Collection method: clinical testing. Allele origin: germline.
Comment: The c.559C>T variant in AQP2 is a missense variant predicted to cause substitution of arginine to cysteine at amino acid 187. This variant is rare in the general population with a frequency below the threshold expected for the associated phenotype(s). This variant has been observed in one or more individuals affected with the associated recessive disease, as either homozygous or compound heterozygous with a second variant (PMID: 33996673, 7524315, 15509592). Computational prediction algorithms indicate this variant is likely to affect gene or protein function. Given the available evidence, this variant is classified as Likely Pathogenic.

Fulgent Genetics
Classification: Pathogenic for Diabetes insipidus, nephrogenic, autosomal. Last evaluated: 2024-01-30. Review status: criteria provided, single submitter. Criteria: ACMG Guidelines, 2015. Collection method: clinical testing. Allele origin: germline.

Labcorp Genetics (formerly Invitae), Labcorp
Classification: Pathogenic. Last evaluated: 2024-01-22. Review status: criteria provided, single submitter. Criteria: Invitae Variant Classification Sherloc (09022015). Collection method: clinical testing. Allele origin: germline.
Comment: This sequence change replaces arginine, which is basic and polar, with cysteine, which is neutral and slightly polar, at codon 187 of the AQP2 protein (p.Arg187Cys). This variant is present in population databases (rs104894328, gnomAD 0.008%). This missense change has been observed in individuals with nephrogenic diabetes insipidus (NDI) in a family and also has been observed as homozygous or in combination with another AQP2 variant in individuals affected with NDI (PMID: 7524315, 20403973). It has also been observed to segregate with disease in related individuals. ClinVar contains an entry for this variant (Variation ID: 17828). Advanced modeling of protein sequence and biophysical properties (such as structural, functional, and spatial information, amino acid conservation, physicochemical variation, residue mobility, and thermodynamic stability) performed at Invitae indicates that this missense variant is expected to disrupt AQP2 protein function with a positive predictive value of 80%. Experimental studies have shown that this missense change affects AQP2 function (PMID: 9593782, 10228154, 10564236, 11374071, 20403973). For these reasons, this variant has been classified as Pathogenic.

Blueprint Genetics
Classification: Pathogenic for AQP2-related disorders. Last evaluated: 2023-06-20. Review status: criteria provided, single submitter. Criteria: ACMG Guidelines, 2015. Collection method: clinical testing. Allele origin: germline. Affected: yes. Observed: 2 variant alleles.

3billion
Classification: Pathogenic for Diabetes insipidus, nephrogenic, autosomal. Last evaluated: 2023-06-08. Review status: criteria provided, single submitter. Criteria: ACMG Guidelines, 2015. Collection method: clinical testing. Allele origin: germline. Affected: yes.
Comment: The variant is observed at an extremely low frequency in the gnomAD v2.1.1 dataset (total allele frequency: 0.005%). Predicted Consequence/Location: The variant is located in a mutational hot spot and/or well-established functional domain in which established pathogenic variants have been reported. In silico tool predictions suggest damaging effect of the variant on gene or gene product (REVEL: 0.84; 3Cnet: 0.98). Same nucleotide change resulting in same amino acid change has been previously reported as pathogenic/likely pathogenic with strong evidence (ClinVar ID: VCV000017828 /PMID: 7524315). Different missense changes at the same codon (p.Arg187Gly, p.Arg187His) have been reported as pathogenic/likely pathogenic with strong evidence (ClinVar ID: VCV000035695, VCV001481897 /PMID: 16361827). Therefore, this variant is classified as Pathogenic according to the recommendation of ACMG/AMP guideline.

GeneDx
Classification: Likely pathogenic. Last evaluated: 2021-11-17. Review status: criteria provided, single submitter. Criteria: GeneDx Variant Classification Process June 2021. Collection method: clinical testing. Allele origin: germline. Affected: yes.
Comment: Published functional studies demonstrate a damaging effect due to protein misfolding and ER retention (Tamarappoo et al., 1998; Leduc-Nadeau et al., 2010); In silico analysis supports that this missense variant has a deleterious effect on protein structure/function; This variant is associated with the following publications: (PMID: 10564236, 10228154, 20403973, 11374071, 11076974, 14593099, 10997928, 7537761, 7524315, 15509592, 8140421, 9593782)

Women's Health and Genetics/Laboratory Corporation of America, LabCorp
Classification: Pathogenic for Nephrogenic Diabetes Insipidus. Last evaluated: 2011-08-18. Review status: criteria provided, single submitter. Criteria: LabCorp Variant Classification Summary - May 2015. Collection method: curation, clinical testing. Allele origin: germline. Inheritance: autosomal recessive. Affected: yes. Observed: 4 variant alleles.
ClinVar note: Converted during submission from pathogenic to Pathogenic.

OMIM
Classification: Pathogenic for DIABETES INSIPIDUS, NEPHROGENIC, 2, AUTOSOMAL RECESSIVE. Last evaluated: 1994-10-01. Review status: no assertion criteria provided. Collection method: literature only. Allele origin: germline. Not counted in ClinVar's aggregate classification.

Literature cited by the submitters: PubMed 7524315 (cited by 5 submitters); PubMed 8140421 (cited by Rady Children's Institute for Genomic Medicine, Rady Children's Hospital San Diego); PubMed 20403973 (cited by Rady Children's Institute for Genomic Medicine, Rady Children's Hospital San Diego and Labcorp Genetics (formerly Invitae), Labcorp); PubMed 16361827 (cited by Rady Children's Institute for Genomic Medicine, Rady Children's Hospital San Diego and 3billion); PubMed 9593782 (cited by Rady Children's Institute for Genomic Medicine, Rady Children's Hospital San Diego and Labcorp Genetics (formerly Invitae), Labcorp); PubMed 33996673 (cited by Natera, Inc.); PubMed 15509592 (cited by Natera, Inc.); PubMed 10228154 (cited by Labcorp Genetics (formerly Invitae), Labcorp); PubMed 10564236 (cited by Labcorp Genetics (formerly Invitae), Labcorp); PubMed 11374071 (cited by Labcorp Genetics (formerly Invitae), Labcorp); PubMed 16120822 (cited by Women's Health and Genetics/Laboratory Corporation of America, LabCorp); PubMed 11076974 (cited by Women's Health and Genetics/Laboratory Corporation of America, LabCorp); PubMed 11143979 (cited by Women's Health and Genetics/Laboratory Corporation of America, LabCorp); PubMed 10997928 (cited by Women's Health and Genetics/Laboratory Corporation of America, LabCorp); PubMed 14593099 (cited by Women's Health and Genetics/Laboratory Corporation of America, LabCorp); PubMed 7537761 (cited by OMIM).

NM_000486.6(AQP2):c.559C>T (p.Arg187Cys)

Genes: AQP2 (aquaporin 2; plus strand), AQP5-AS1 (AQP5 and AQP2 antisense RNA 2; minus strand). Cytogenetic location: 12q13.12.
Variant type: single nucleotide variant.
Coding change: c.559C>T on transcript NM_000486.6 (MANE Select); coding-DNA position 559, C replaced by T.
Protein change: p.Arg187Cys; replaces arginine 187 with cysteine.
Molecular consequence: missense variant.
Genome position (GRCh38, 1-based): chr12:49,954,663, C>T. VCF-style: chr12-49954663-C-T. GRCh37 (hg19) VCF-style: chr12-50348446-C-T.
Other names: short protein forms R187C.
Identifiers: ClinVar variation 17828 (VCV000017828.23), dbSNP rs104894328, ClinGen allele CA127464.
Genomic context (GRCh38, chr12:49,954,663, plus strand): 5'-CTCTTTGATGCCCTCCTCCCACTGCAGATCCATTACACCGGCTGCTCTATGAATCCTGCC[C>T]GCTCCCTGGCTCCAGCTGTCGTCACTGGCAAATTTGATGACCACTGGGTAATGGCTGAAA-3'
Protein context (NP_000477.1, residues 177-197): HYTGCSMNPA[Arg187Cys]SLAPAVVTGK